The following is an entry in ClinVar:

ClinVar aggregate classification (germline): Pathogenic/Likely pathogenic. Review status: criteria provided, multiple submitters, no conflicts (2 of 4 stars). 2 submissions from 2 submitters: Pathogenic (1); Likely pathogenic (1). Last evaluated 2025-11-27.

Conditions:
Ataxia-telangiectasia syndrome (AT). Also called: Ataxia-telangiectasia, complementation group D; AT, COMPLEMENTATION GROUP C; Cerebello-oculocutaneous telangiectasia; Immunodeficiency with ataxia telangiectasia; Ataxia-telangiectasia, complementation group E; LOUIS-BAR SYNDROME. Identifiers: Orphanet 100, MedGen C0004135, MONDO:0008840, OMIM 208900.

gnomAD v4.1: 1 of 1,612,848 alleles (0.000062%); highest among the groups gnomAD compares: Non-Finnish European, 0.000085%; no homozygotes.

Submissions (2):

Labcorp Genetics (formerly Invitae), Labcorp
Classification: Pathogenic for Ataxia-telangiectasia syndrome. Last evaluated: 2025-11-27. Review status: criteria provided, single submitter. Criteria: Invitae Variant Classification Sherloc (09022015). Collection method: clinical testing. Allele origin: germline.
Comment: This sequence change affects an acceptor splice site in intron 18 of the ATM gene. RNA analysis indicates that disruption of this splice site induces altered splicing and likely results in the loss of 6 amino acid residue(s), but is expected to preserve the integrity of the reading-frame. This variant is not present in population databases (gnomAD no frequency). This variant has not been reported in the literature in individuals affected with ATM-related conditions. ClinVar contains an entry for this variant (Variation ID: 1469238). Studies have shown that disruption of this splice site results in the activation of a cryptic splice site in exon 19 (internal data). This variant disrupts a region of the ATM protein in which other variant(s) (p.Leu950Arg) have been determined to be pathogenic (PMID: 10873394, 12552559, 20678261, 21792198, 27989354). This suggests that this is a clinically significant region of the protein, and that variants that disrupt it are likely to be disease-causing. For these reasons, this variant has been classified as Pathogenic.

Natera, Inc.
Classification: Likely pathogenic for Ataxia-telangiectasia. Last evaluated: 2025-07-20. Review status: criteria provided, single submitter. Criteria: Natera Variant Classification Schema (03/2026). Collection method: clinical testing. Allele origin: germline.
Comment: The c.2839-1G>A variant in ATM is a canonical splice acceptor site variant predicted to affect pre-mRNA splicing, which may result in an abnormal transcript and altered protein product. This variant is expected to result in nonsense mediated decay, truncation, or a dysfunctional protein product. This variant is rare in the general population with a frequency below the threshold expected for the associated phenotype(s). Given the available evidence, this variant is classified as Likely Pathogenic.

Literature cited by the submitters: PubMed 10873394 (cited by Labcorp Genetics (formerly Invitae), Labcorp); PubMed 12552559 (cited by Labcorp Genetics (formerly Invitae), Labcorp); PubMed 20678261 (cited by Labcorp Genetics (formerly Invitae), Labcorp); PubMed 21792198 (cited by Labcorp Genetics (formerly Invitae), Labcorp); PubMed 27989354 (cited by Labcorp Genetics (formerly Invitae), Labcorp).

NM_000051.4(ATM):c.2839-1G>A

Gene: ATM (ATM serine/threonine kinase; plus strand). Cytogenetic location: 11q22.3.
Variant type: single nucleotide variant.
Coding change: c.2839-1G>A on transcript NM_000051.4 (MANE Select); the canonical splice acceptor site of the intron before coding-DNA position 2839, G replaced by A.
Molecular consequence: splice acceptor variant.
Genome position (GRCh38, 1-based): chr11:108,271,063, G>A. VCF-style: chr11-108271063-G-A. GRCh37 (hg19) VCF-style: chr11-108141790-G-A.
Other names: c.2839-1G>A (NM_001351834.2, NM_000051.3).
Identifiers: ClinVar variation 1469238 (VCV001469238.9), dbSNP rs995271490, ClinGen allele CA382546672.